The following is an entry in ClinVar:

ClinVar aggregate classification (germline): Uncertain significance (1 of 4 stars; one submission).

gnomAD v4.1: 3 of 1,613,514 alleles (0.00019%); highest among the groups gnomAD compares: Non-Finnish European, 0.00025%; no homozygotes.

Submission:

GeneDx
Classification: Uncertain significance. Last evaluated: 2024-02-07. Review status: criteria provided, single submitter. Criteria: GeneDx Variant Classification Process June 2021. Collection method: clinical testing. Allele origin: germline. Affected: yes.
Comment: In silico analysis supports that this missense variant has a deleterious effect on protein structure/function; Has not been previously published as pathogenic or benign to our knowledge; Variants in candidate genes are classified as variants of uncertain significance in accordance with ACMG guidelines (PMID: 25741868)

NM_024721.5(ZFHX4):c.2027A>G (p.Tyr676Cys)

Gene: ZFHX4 (zinc finger homeobox 4; plus strand). Cytogenetic location: 8q21.13.
Variant type: single nucleotide variant.
Coding change: c.2027A>G on transcript NM_024721.5 (MANE Select); coding-DNA position 2027, A replaced by G.
Protein change: p.Tyr676Cys; replaces tyrosine 676 with cysteine.
Molecular consequence: missense variant.
Genome position (GRCh38, 1-based): chr8:76,706,115, A>G. VCF-style: chr8-76706115-A-G. GRCh37 (hg19) VCF-style: chr8-77618350-A-G.
Other names: c.2027A>G, p.Tyr676Cys (NM_001410934.1); short protein forms Y676C.
Identifiers: ClinVar variation 3900316 (VCV003900316.1).